The following is an entry in ClinVar:

ClinVar aggregate classification (germline): Uncertain significance (1 of 4 stars; one submission).

Allele frequency attached by ClinVar (database versions not stated): gnomAD exomes 0.00001 and 0.00003; ExAC 0.00002; gnomAD 0.00002; TOPMed 0.00002.
gnomAD v4.1: 43 of 1,613,830 alleles (0.0027%); highest among the groups gnomAD compares: Non-Finnish European, 0.0036%; no homozygotes.

Submission:

Labcorp Genetics (formerly Invitae), Labcorp
Classification: Uncertain significance. Last evaluated: 2025-11-24. Review status: criteria provided, single submitter. Criteria: Invitae Variant Classification Sherloc (09022015). Collection method: clinical testing. Allele origin: germline.
Comment: This sequence change replaces isoleucine, which is neutral and non-polar, with valine, which is neutral and non-polar, at codon 2886 of the VCAN protein (p.Ile2886Val). This variant is present in population databases (rs746325639, gnomAD 0.002%). This variant has not been reported in the literature in individuals affected with VCAN-related conditions. ClinVar contains an entry for this variant (Variation ID: 1016548). An algorithm developed to predict the effect of missense changes on protein structure and function outputs the following: PolyPhen-2: "Benign". The valine amino acid residue is found in multiple mammalian species, which suggests that this missense change does not adversely affect protein function. In summary, the available evidence is currently insufficient to determine the role of this variant in disease. Therefore, it has been classified as a Variant of Uncertain Significance.

NM_004385.5(VCAN):c.8656A>G (p.Ile2886Val)

Genes: VCAN (versican; plus strand), VCAN-AS1 (VCAN antisense RNA 1; minus strand). Cytogenetic location: 5q14.3.
Variant type: single nucleotide variant.
Coding change: c.8656A>G on transcript NM_004385.5 (MANE Select); coding-DNA position 8656, A replaced by G.
Protein change: p.Ile2886Val; replaces isoleucine 2886 with valine.
Molecular consequence: missense variant. On other transcripts: intron variant (2).
Genome position (GRCh38, 1-based): chr5:83,541,659, A>G. VCF-style: chr5-83541659-A-G. GRCh37 (hg19) VCF-style: chr5-82837478-A-G.
Other names: c.5695A>G, p.Ile1899Val (NM_001164097.2); c.4004-3878A>G (NM_001164098.2); c.1043-3878A>G (NM_001126336.3); short protein forms I1899V, I2886V.
Identifiers: ClinVar variation 1016548 (VCV001016548.10), dbSNP rs746325639, ClinGen allele CA3333846.